The following is an entry in ClinVar:

NM_000185.4(SERPIND1):c.1164-6G>T

Genes: PI4KA (phosphatidylinositol 4-kinase alpha; minus strand), SERPIND1 (serpin family D member 1; plus strand). Cytogenetic location: 22q11.21.
Variant type: single nucleotide variant.
Coding change: c.1164-6G>T on transcript NM_000185.4 (MANE Select); 6 bases into the intron before coding-DNA position 1164, G replaced by T.
Molecular consequence: intron variant.
Genome position (GRCh38, 1-based): chr22:20,785,998, G>T. VCF-style: chr22-20785998-G-T. GRCh37 (hg19) VCF-style: chr22-21140286-G-T.
Other names: c.2262+7195C>A (NM_001362863.2); c.2328+7195C>A (NM_001362862.2, NM_058004.4).
Identifiers: ClinVar variation 3026677 (VCV003026677.22), dbSNP rs2518232679, ClinGen allele CA2740094783.

ClinVar aggregate classification (germline): Uncertain significance (1 of 4 stars; one submission).

Submission:

CeGaT Center for Human Genetics Tuebingen
Classification: Uncertain significance. Last evaluated: 2023-12-01. Review status: criteria provided, single submitter. Criteria: CeGaT Center For Human Genetics Tuebingen Variant Classification Criteria Version 2. Collection method: clinical testing. Allele origin: germline. Affected: yes. Observed: 1 variant allele.
Comment: SERPIND1: PM2, BP4